The following is an entry in ClinVar:

ClinVar aggregate classification (germline): Uncertain significance. Review status: criteria provided, multiple submitters, no conflicts (2 of 4 stars). 2 submissions from 2 submitters: Uncertain significance (2). Last evaluated 2025-11-02.

Conditions:
Inborn genetic diseases. Identifiers: MedGen C0950123, MeSH D030342.

Allele frequency attached by ClinVar (database versions not stated): TOPMed below 0.00001; gnomAD exomes 0.00003 and below 0.00001.
gnomAD v4.1: 35 of 1,591,364 alleles (0.0022%); highest among the groups gnomAD compares: Non-Finnish European, 0.0029%; no homozygotes.

Submissions (2):

Ambry Genetics
Classification: Uncertain significance for Inborn genetic diseases. Last evaluated: 2025-11-02. Review status: criteria provided, single submitter. Criteria: Ambry Variant Classification Scheme 2023. Collection method: clinical testing. Allele origin: germline.

Labcorp Genetics (formerly Invitae), Labcorp
Classification: Uncertain significance. Last evaluated: 2023-11-07. Review status: criteria provided, single submitter. Criteria: Invitae Variant Classification Sherloc (09022015). Collection method: clinical testing. Allele origin: germline.
Comment: This sequence change replaces lysine, which is basic and polar, with asparagine, which is neutral and polar, at codon 1263 of the ATR protein (p.Lys1263Asn). This variant is present in population databases (no rsID available, gnomAD 0.0009%). This variant has not been reported in the literature in individuals affected with ATR-related conditions. ClinVar contains an entry for this variant (Variation ID: 1039914). An algorithm developed to predict the effect of missense changes on protein structure and function (PolyPhen-2) suggests that this variant¬†is likely to be tolerated. Algorithms developed to predict the effect of sequence changes on RNA splicing suggest that this variant may disrupt the consensus splice site. In summary, the available evidence is currently insufficient to determine the role of this variant in disease. Therefore, it has been classified as a Variant of Uncertain Significance.

NM_001184.4(ATR):c.3789G>T (p.Lys1263Asn)

Gene: ATR (ATR checkpoint kinase; minus strand). Cytogenetic location: 3q23.
Variant type: single nucleotide variant.
Coding change: c.3789G>T on transcript NM_001184.4 (MANE Select); coding-DNA position 3789, G replaced by T.
Protein change: p.Lys1263Asn; replaces lysine 1263 with asparagine.
Molecular consequence: missense variant.
Genome position (GRCh38, 1-based): chr3:142,536,138, C>A on the plus strand (G>T on the coding strand, the complement: ATR is on the minus strand). VCF-style: chr3-142536138-C-A. GRCh37 (hg19) VCF-style: chr3-142254980-C-A.
Other names: c.3597G>T, p.Lys1199Asn (NM_001354579.2); c.3789G>T (NM_001184.3); short protein forms K1263N, K1199N.
Identifiers: ClinVar variation 1039914 (VCV001039914.10), dbSNP rs1472876650, ClinGen allele CA354806711.